The following is an entry in ClinVar:

ClinVar aggregate classification (germline): Benign/Likely benign. Review status: criteria provided, multiple submitters, no conflicts (2 of 4 stars). 10 submissions from 10 submitters: Benign (3); Likely benign (3). 4 of the submissions do not count toward it. Last evaluated 2026-04-01.

Conditions:
Pigmentary pallidal degeneration (NBIA1). Also called: PKAN NEUROAXONAL DYSTROPHY, JUVENILE-ONSET; Neurodegeneration with brain iron accumulation 1; HARP SYNDROME; Pantothenate Kinase-Associated Neurodegeneration; Neuroaxonal dystrophy, late infantile; Hallervorden-Spatz disease. Identifiers: Orphanet 157850, MedGen C0018523, MONDO:0009319, OMIM 234200.

Allele frequency attached by ClinVar (database versions not stated): ESP Exome Variant Server 0.00154; gnomAD exomes 0.00317; gnomAD 0.00346 and 0.00328; ExAC 0.00300; 1000 Genomes Project 30x 0.00016; 1000 Genomes Project 0.00020; TOPMed 0.00134.

Submissions (10):

CeGaT Center for Human Genetics Tuebingen
Classification: Likely benign. Last evaluated: 2026-04-01. Review status: criteria provided, single submitter. Criteria: CeGaT Center For Human Genetics Tuebingen Variant Classification Criteria Version 2. Collection method: clinical testing. Allele origin: germline. Affected: yes. Observed: 15 variant alleles.
Comment: PANK2: BS2

Labcorp Genetics (formerly Invitae), Labcorp
Classification: Benign for Pigmentary pallidal degeneration. Last evaluated: 2026-02-04. Review status: criteria provided, single submitter. Criteria: Invitae Variant Classification Sherloc (09022015). Collection method: clinical testing. Allele origin: germline.

Women's Health and Genetics/Laboratory Corporation of America, LabCorp
Classification: Benign. Last evaluated: 2022-07-08. Review status: criteria provided, single submitter. Criteria: LabCorp Variant Classification Summary - May 2015. Collection method: clinical testing. Allele origin: germline.
Comment: Variant summary: PANK2 c.137A>T (p.Asp46Val) results in a non-conservative amino acid change in the encoded protein sequence. Three of five in-silico tools predict a benign effect of the variant on protein function. The variant allele was found at a frequency of 0.0032 in 248940 control chromosomes (gnomAD and Klopstock_2005), including 8 homozygotes. The observed variant frequency is approximately 3-fold of the estimated maximal expected allele frequency for a pathogenic variant in PANK2 causing Pantothenate Kinase-Associated Neurodegeneration (0.0011), strongly suggesting that the variant is benign. c.137A>T has been reported in the literature in the compound heterozygous state in an individual with a suspected mitochondrial disorder (e.g. DaRe_2013), but has not been reported in individuals diagnosed with Pantothenate Kinase-Associated Neurodegeneration. Therefore this report does not provide evidence to support an association of the variant with Pantothenate Kinase-Associated Neurodegeneration. To our knowledge, no experimental evidence demonstrating an impact on protein function has been reported. Six submitters have provided clinical-significance assessments for this variant to ClinVar after 2014 and the majority classified the variant as likely benign (n=3) or benign (n=2). Based on the evidence outlined above, the variant was classified as benign.

GeneDx
Classification: Benign. Last evaluated: 2021-07-22. Review status: criteria provided, single submitter. Criteria: GeneDx Variant Classification Process June 2021. Collection method: clinical testing. Allele origin: germline. Affected: yes.
Comment: This variant is associated with the following publications: (PMID: 15843062, 24215330, 31540697, 32456086)

Illumina Laboratory Services, Illumina
Classification: Likely benign for Pigmentary pallidal degeneration. Last evaluated: 2018-01-12. Review status: criteria provided, single submitter. Criteria: ICSL Variant Classification Criteria 13 December 2019. Collection method: clinical testing. Allele origin: germline.
Comment: This variant was observed in the ICSL laboratory as part of a predisposition screen in an ostensibly healthy population. It had not been previously curated by ICSL or reported in the Human Gene Mutation Database (HGMD: prior to June 1st, 2018), and was therefore a candidate for classification through an automated scoring system. Utilizing variant allele frequency, disease prevalence and penetrance estimates, and inheritance mode, an automated score was calculated to assess if this variant is too frequent to cause the disease. Based on the score and internal cut-off values, a variant classified as likely benign is not then subjected to further curation. The score for this variant resulted in a classification of likely benign for this disease.

Athena Diagnostics
Classification: Likely benign. Last evaluated: 2017-11-01. Review status: criteria provided, single submitter. Criteria: Athena Diagnostics Criteria. Collection method: clinical testing. Allele origin: germline.

Mayo Clinic Laboratories, Mayo Clinic
Classification: Likely benign. Last evaluated: 2017-06-01. Review status: no assertion criteria provided. Collection method: clinical testing. Allele origin: unknown. Not counted in ClinVar's aggregate classification.

Clinical Genetics DNA and cytogenetics Diagnostics Lab, Erasmus MC, Erasmus Medical Center
Classification: Likely benign. Review status: no assertion criteria provided. Collection method: clinical testing. Allele origin: germline. Affected: yes. Study: VKGL Data-share Consensus. Not counted in ClinVar's aggregate classification.

Clinical Genetics, Academic Medical Center
Classification: Likely benign. Review status: no assertion criteria provided. Collection method: clinical testing. Allele origin: germline. Affected: yes. Study: VKGL Data-share Consensus. Not counted in ClinVar's aggregate classification.

Genome Diagnostics Laboratory, Amsterdam University Medical Center
Classification: Likely benign. Review status: no assertion criteria provided. Collection method: clinical testing. Allele origin: germline. Affected: yes. Study: VKGL Data-share Consensus. Not counted in ClinVar's aggregate classification.

Literature cited by the submitters: PubMed 24215330 (cited by Women's Health and Genetics/Laboratory Corporation of America, LabCorp and Athena Diagnostics); PubMed 15843062 (cited by Women's Health and Genetics/Laboratory Corporation of America, LabCorp and Athena Diagnostics); PubMed 28094106 (cited by Athena Diagnostics).

NM_153638.4(PANK2):c.137A>T (p.Asp46Val)

Gene: PANK2 (pantothenate kinase 2; plus strand). Cytogenetic location: 20p13.
Variant type: single nucleotide variant.
Coding change: c.137A>T on transcript NM_153638.4; coding-DNA position 137, A replaced by T.
Protein change: p.Asp46Val; replaces aspartic acid 46 with valine.
Molecular consequence: missense variant. On other transcripts: intron variant (1).
Genome position (GRCh38, 1-based): chr20:3,889,237, A>T. VCF-style: chr20-3889237-A-T. GRCh37 (hg19) VCF-style: chr20-3869884-A-T.
Other names: c.137A>T, p.Asp46Val (NM_001324192.1); c.-246+333A>T (NM_024960.6); short protein forms D46V.
Identifiers: ClinVar variation 425264 (VCV000425264.63), dbSNP rs148036492, ClinGen allele CA9750496.